The following is an entry in ClinVar:

ClinVar aggregate classification (germline): Benign. Review status: criteria provided, multiple submitters, no conflicts (2 of 4 stars). 3 submissions from 3 submitters: Benign (2). 1 of the submissions does not count toward it. Last evaluated 2021-03-31.

Conditions:
NAV2-related disorder. Also called: NAV2-related condition.

Allele frequency attached by ClinVar (database versions not stated): gnomAD exomes 0.56281 and 0.61831; ESP Exome Variant Server 0.56651; gnomAD 0.58657 and 0.59462; TOPMed 0.59256; ExAC 0.61180; 1000 Genomes Project 30x 0.65974; 1000 Genomes Project 0.66234.
gnomAD v4.1: 913,616 of 1,613,726 alleles (57%); highest among the groups gnomAD compares: East Asian, 85%; 263,323 homozygotes.

Submissions (3):

GeneDx
Classification: Benign. Last evaluated: 2021-03-31. Review status: criteria provided, single submitter. Criteria: GeneDx Variant Classification Process June 2021. Collection method: clinical testing. Allele origin: germline. Affected: yes.

Breakthrough Genomics
Classification: Benign. Review status: criteria provided, single submitter. Criteria: ACMG Guidelines, 2015. Collection method: not provided. Allele origin: germline. Inheritance: Unknown mechanism. Affected: yes.

PreventionGenetics, part of Exact Sciences
Classification: Benign for NAV2-related condition. Last evaluated: 2019-10-30. Review status: no assertion criteria provided. Collection method: clinical testing. Allele origin: germline. Not counted in ClinVar's aggregate classification.
Comment: This variant is classified as benign based on ACMG/AMP sequence variant interpretation guidelines (Richards et al. 2015 PMID: 25741868, with internal and published modifications).

NM_145117.5(NAV2):c.3750C>T (p.Asp1250=)

Genes: NAV2 (neuron navigator 2; plus strand), NAV2-AS2 (NAV2 antisense RNA 2; minus strand). Cytogenetic location: 11p15.1.
Variant type: single nucleotide variant.
Coding change: c.3750C>T on transcript NM_145117.5 (MANE Select); coding-DNA position 3750, C replaced by T.
Protein change: p.Asp1250=; no amino-acid change (aspartic acid 1250 retained).
Molecular consequence: synonymous variant.
Genome position (GRCh38, 1-based): chr11:20,045,518, C>T. VCF-style: chr11-20045518-C-T. GRCh37 (hg19) VCF-style: chr11-20067064-C-T.
Other names: c.3558C>T, p.Asp1186= (NM_001111018.2); c.1008C>T, p.Asp336= (NM_001111019.3); c.3819C>T, p.Asp1273= (NM_001244963.2); c.3750C>T, p.Asp1250= (NM_182964.6); c.3819C>T (NM_001244963.1).
Identifiers: ClinVar variation 1251077 (VCV001251077.5), dbSNP rs7125647, ClinGen allele CA5918506.